The following is an entry in ClinVar:

ClinVar aggregate classification (germline): Benign (1 of 4 stars; one submission).

Allele frequency attached by ClinVar (database versions not stated): 1000 Genomes Project 30x 0.73423; 1000 Genomes Project 0.73822; TOPMed 0.77917; gnomAD 0.80070 and 0.80211.
gnomAD v4.1: 122,012 of 152,120 alleles (80%); highest among the groups gnomAD compares: Non-Finnish European, 89%; 49,811 homozygotes.

Submission:

GeneDx
Classification: Benign. Last evaluated: 2020-02-18. Review status: criteria provided, single submitter. Criteria: GeneDx Variant Classification Process June 2021. Collection method: clinical testing. Allele origin: germline. Affected: yes.
Comment: This variant is associated with the following publications: (PMID: 28453302)

NM_004482.4(GALNT3):c.-109+1733T>G

Gene: GALNT3 (polypeptide N-acetylgalactosaminyltransferase 3; minus strand). Cytogenetic location: 2q24.3.
Variant type: single nucleotide variant.
Coding change: c.-109+1733T>G on transcript NM_004482.4 (MANE Select); 1733 bases into the intron after 109 bases upstream of the start codon, T replaced by G.
Molecular consequence: intron variant.
Genome position (GRCh38, 1-based): chr2:165,792,282, A>C on the plus strand (T>G on the coding strand, the complement: GALNT3 is on the minus strand). VCF-style: chr2-165792282-A-C. GRCh37 (hg19) VCF-style: chr2-166648792-A-C.
Identifiers: ClinVar variation 1232432 (VCV001232432.3), dbSNP rs4621175, ClinGen allele CA15182735.